The following is an entry in ClinVar:

ClinVar aggregate classification (germline): Uncertain significance (1 of 4 stars; one submission).

Conditions:
RYR1-related disorder. Also called: RYR1-related condition; RYR1-related disorders. Identifiers: MedGen CN239331.

gnomAD v4.1: 23 of 1,477,898 alleles (0.0016%); highest among the groups gnomAD compares: African/African-American, 0.034%; no homozygotes.

Submission:

Labcorp Genetics (formerly Invitae), Labcorp
Classification: Uncertain significance for RYR1-related disorder. Last evaluated: 2025-10-25. Review status: criteria provided, single submitter. Criteria: Invitae Variant Classification Sherloc (09022015). Collection method: clinical testing. Allele origin: germline.
Comment: This sequence change replaces glutamic acid, which is acidic and polar, with aspartic acid, which is acidic and polar, at codon 4410 of the RYR1 protein (p.Glu4410Asp). This variant is present in population databases (no rsID available, gnomAD 0.03%). This variant has not been reported in the literature in individuals affected with RYR1-related conditions. ClinVar contains an entry for this variant (Variation ID: 1419955). Invitae Evidence Modeling of protein sequence and biophysical properties (such as structural, functional, and spatial information, amino acid conservation, physicochemical variation, residue mobility, and thermodynamic stability) indicates that this missense variant is not expected to disrupt RYR1 protein function with a negative predictive value of 80%. In summary, the available evidence is currently insufficient to determine the role of this variant in disease. Therefore, it has been classified as a Variant of Uncertain Significance.

NM_000540.3(RYR1):c.13230G>C (p.Glu4410Asp)

Gene: RYR1 (ryanodine receptor 1; plus strand). Cytogenetic location: 19q13.2.
Variant type: single nucleotide variant.
Coding change: c.13230G>C on transcript NM_000540.3 (MANE Select); coding-DNA position 13230, G replaced by C.
Protein change: p.Glu4410Asp; replaces glutamic acid 4410 with aspartic acid.
Molecular consequence: missense variant.
Genome position (GRCh38, 1-based): chr19:38,565,564, G>C. VCF-style: chr19-38565564-G-C. GRCh37 (hg19) VCF-style: chr19-39056204-G-C.
Other names: c.13215G>C, p.Glu4405Asp (NM_001042723.2); short protein forms E4405D, E4410D.
Identifiers: ClinVar variation 1419955 (VCV001419955.7), dbSNP rs942942261, ClinGen allele CA308109581.